The following is an entry in ClinVar:

ClinVar aggregate classification (germline): Uncertain significance (1 of 4 stars; one submission).

Conditions:
Cardiomyopathy (CMYO). Also called: Cardiomyopathies. Identifiers: Orphanet 167848, MedGen C0878544, MONDO:0004994, HP:0001638. Inheritance: Various modes of inheritance.

Submission:

Color Diagnostics, LLC DBA Color Health
Classification: Uncertain significance for Cardiomyopathy. Last evaluated: 2021-08-23. Review status: criteria provided, single submitter. Criteria: ACMG Guidelines, 2015. Collection method: clinical testing. Allele origin: germline.
Comment: This missense variant replaces lysine with arginine at codon 183 of the TNNI3 protein. Computational prediction is inconclusive regarding the impact of this variant on protein structure and function (internally defined REVEL score threshold 0.5 < inconclusive < 0.7, PMID: 27666373). To our knowledge, functional studies have not been reported for this variant. This variant has not been reported in individuals affected with cardiovascular disorders in the literature. This variant has not been identified in the general population by the Genome Aggregation Database (gnomAD). The available evidence is insufficient to determine the role of this variant in disease conclusively. Therefore, this variant is classified as a Variant of Uncertain Significance.

NM_000363.5(TNNI3):c.548A>G (p.Lys183Arg)

Gene: TNNI3 (troponin I3, cardiac type; minus strand). Cytogenetic location: 19q13.42.
Variant type: single nucleotide variant.
Coding change: c.548A>G on transcript NM_000363.5 (MANE Select); coding-DNA position 548, A replaced by G.
Protein change: p.Lys183Arg; replaces lysine 183 with arginine.
Molecular consequence: missense variant.
Genome position (GRCh38, 1-based): chr19:55,154,031, T>C on the plus strand (A>G on the coding strand, the complement: TNNI3 is on the minus strand). VCF-style: chr19-55154031-T-C. GRCh37 (hg19) VCF-style: chr19-55665399-T-C.
Other names: short protein forms K183R.
Identifiers: ClinVar variation 2774616 (VCV002774616.2), dbSNP rs730881078, ClinGen allele CA407440183.